The following is an entry in ClinVar:

ClinVar aggregate classification (germline): Likely pathogenic (1 of 4 stars; one submission).

Conditions:
Intellectual disability, X-linked 102 (MRXSSB). Also called: Intellectual developmental disorder, X-linked syndromic, Snijders Blok type. Identifiers: Orphanet 457260, MedGen C5393299, MONDO:0010497, OMIM 300958.

Submission:

Variantyx, Inc.
Classification: Likely pathogenic for Intellectual disability, X-linked 102. Last evaluated: 2025-09-04. Review status: criteria provided, single submitter. Criteria: Variantyx Assertion Criteria 2022. Collection method: clinical testing. Allele origin: maternal. Inheritance: X-linked inheritance. Affected: no.
Comment: This is a start-loss variant in the DDX3X gene (OMIM: 300160). Pathogenic variants in this gene have been associated with X-linked syndromic intellectual developmental disorder, Snijders Blok type. This variant results in loss of the initiation codon, which is expected to result in a loss of function, a known disease mechanism for DDX3X in this disorder (PMIDs: 26235985, 33993884) (PVS1). This variant is absent from control populations (PM2) and has not been reported in individuals with DDX3X-related disorders in the databases available for review. Based on the current evidence, this variant is classified as likely pathogenic for X-linked syndromic intellectual developmental disorder Snijders Blok type.

Literature cited by the submitters: PubMed 26235985; PubMed 33993884.

NM_001356.5(DDX3X):c.1A>T (p.Met1Leu)

Gene: DDX3X (DEAD-box helicase 3 X-linked; plus strand). Cytogenetic location: Xp11.4.
Variant type: single nucleotide variant.
Coding change: c.1A>T on transcript NM_001356.5 (MANE Select); coding-DNA position 1, A replaced by T.
Protein change: p.Met1Leu; changes the start codon (methionine 1).
Molecular consequence: missense variant, initiator codon variant. On other transcripts: 5 prime UTR variant (1), non-coding transcript variant (2).
Genome position (GRCh38, 1-based): chrX:41,334,253, A>T. VCF-style: chrX-41334253-A-T. GRCh37 (hg19) VCF-style: chrX-41193506-A-T.
Other names: c.1A>T, p.Met1Leu (NM_001193416.3, NM_001193417.3); c.-1903A>T (NM_001363819.1); short protein forms M1L.
Identifiers: ClinVar variation 4795921 (VCV004795921.1).